The following is an entry in ClinVar:

ClinVar aggregate classification (germline): Uncertain significance (1 of 4 stars; one submission).

Conditions:
Hereditary spastic paraplegia 54. Also called: Spastic paraplegia 54, autosomal recessive. Identifiers: Orphanet 320380, MedGen C3539495, MONDO:0014018, OMIM 615033.

Submission:

Labcorp Genetics (formerly Invitae), Labcorp
Classification: Uncertain significance for Hereditary spastic paraplegia 54. Last evaluated: 2025-11-26. Review status: criteria provided, single submitter. Criteria: Invitae Variant Classification Sherloc (09022015). Collection method: clinical testing. Allele origin: germline.
Comment: This variant, c.1931_1933del, results in the deletion of 1 amino acid(s) of the DDHD2 protein (p.Glu644del), but otherwise preserves the integrity of the reading frame. This variant is present in population databases (rs755956939, gnomAD 0.007%). This variant has been observed in individual(s) with clinical features of hereditary spastic paraplegia (internal data). Experimental studies and prediction algorithms are not available or were not evaluated, and the functional significance of this variant is currently unknown. In summary, the available evidence is currently insufficient to determine the role of this variant in disease. Therefore, it has been classified as a Variant of Uncertain Significance.

NM_015214.3(DDHD2):c.1925AAG[2] (p.Glu644del)

Gene: DDHD2 (DDHD domain containing 2; plus strand). Cytogenetic location: 8p11.23.
Variant type: Microsatellite.
Coding change: c.1925AAG[2] on transcript NM_015214.3 (MANE Select); two copies in a row of the 3-base unit AAG starting at c.1925; the reference has three copies in a row; one copy, 3 bases deleted.
Protein change: p.Glu644del; deletes glutamic acid 644.
Molecular consequence: inframe deletion. On other transcripts: non-coding transcript variant (2).
Genome position (GRCh38, 1-based): chr8:38,253,595-38,253,597, AAG deleted; deleting any 3 consecutive bases within chr8:38,253,589-38,253,597 gives the same sequence; the position shown is the placement nearest the transcript's 3' end. VCF-style (leftmost placement, unchanged base first): chr8-38253588-AAAG-A. GRCh37 (hg19) VCF-style: chr8-38111106-AAAG-A.
Other names: c.1925AAG[2], p.Glu644del (NM_001164232.2, NM_001362911.2, NM_001362912.2 and 1 more transcripts); c.1835AAG[2], p.Glu614del (NM_001362913.2); short protein forms E644del, E614del.
Identifiers: ClinVar variation 4694535 (VCV004694535.1).